The following is an entry in ClinVar:

NM_003995.4(NPR2):c.2165del (p.Gly722fs)

Gene: NPR2 (natriuretic peptide receptor 2; plus strand). Cytogenetic location: 9p13.3.
Variant type: Deletion.
Coding change: c.2165del on transcript NM_003995.4 (MANE Select); coding-DNA position 2165, one base deleted (G; older notation c.2165delG).
Protein change: p.Gly722fs; shifts the reading frame from glycine 722.
Molecular consequence: frameshift variant.
Genome position (GRCh38, 1-based): chr9:35,805,947, G deleted; the last of 2 consecutive G bases (chr9:35,805,946-35,805,947); deleting either gives the same sequence. VCF-style (leftmost placement, unchanged base first): chr9-35805945-TG-T. GRCh37 (hg19) VCF-style: chr9-35805942-TG-T.
Other names: c.2174del, p.Gly725fs (NM_001378923.1); short protein forms G725fs, G722fs.
Identifiers: ClinVar variation 4784023 (VCV004784023.1).

ClinVar aggregate classification (germline): Pathogenic (1 of 4 stars; one submission).

Conditions:
Tall stature-scoliosis-macrodactyly of the great toes syndrome. Also called: Epiphyseal chondrodysplasia, miura type. Identifiers: Orphanet 329191, MedGen C4014690, MONDO:0014401, OMIM 615923.
Acromesomelic dysplasia 1, Maroteaux type (AMD1). Also called: ACROMESOMELIC DYSPLASIA 1; ST. HELENA DYSPLASIA. Identifiers: Orphanet 40, MedGen C1864356, MONDO:0011275, OMIM 602875.

Submission:

Labcorp Genetics (formerly Invitae), Labcorp
Classification: Pathogenic for Tall stature-scoliosis-macrodactyly of the great toes syndrome; Acromesomelic dysplasia 1, Maroteaux type. Last evaluated: 2025-01-28. Review status: criteria provided, single submitter. Criteria: Invitae Variant Classification Sherloc (09022015). Collection method: clinical testing. Allele origin: germline.
Comment: This sequence change creates a premature translational stop signal (p.Gly722Valfs*36) in the NPR2 gene. It is expected to result in an absent or disrupted protein product. Loss-of-function variants in NPR2 are known to be pathogenic (PMID: 15146390, 15572448, 16384845). This variant is not present in population databases (gnomAD no frequency). This variant has not been reported in the literature in individuals affected with NPR2-related conditions. For these reasons, this variant has been classified as Pathogenic.

Literature cited by the submitters: PubMed 15146390; PubMed 15572448; PubMed 16384845.